The following is an entry in ClinVar:

NM_003482.4(KMT2D):c.14436C>T (p.Pro4812=)

Gene: KMT2D (lysine methyltransferase 2D; minus strand). Cytogenetic location: 12q13.12.
Variant type: single nucleotide variant.
Coding change: c.14436C>T on transcript NM_003482.4 (MANE Select); coding-DNA position 14436, C replaced by T.
Protein change: p.Pro4812=; no amino-acid change (proline 4812 retained).
Molecular consequence: synonymous variant.
Genome position (GRCh38, 1-based): chr12:49,028,088, G>A on the plus strand (C>T on the coding strand, the complement: KMT2D is on the minus strand). VCF-style: chr12-49028088-G-A. GRCh37 (hg19) VCF-style: chr12-49421871-G-A.
Identifiers: ClinVar variation 309005 (VCV000309005.14), dbSNP rs369799687, ClinGen allele CA6545744.

ClinVar aggregate classification (germline): Likely benign. Review status: criteria provided, multiple submitters, no conflicts (2 of 4 stars). 4 submissions from 4 submitters: Likely benign (4). Last evaluated 2026-01-26.

Conditions:
KMT2D-related disorder. Also called: KMT2D-Related Disorders.
Kabuki syndrome. Also called: NIIKAWA-KUROKI SYNDROME; Kabuki make-up syndrome. Identifiers: Orphanet 2322, MedGen C0796004, MONDO:0016512.

Allele frequency attached by ClinVar (database versions not stated): ExAC 0.00006; gnomAD 0.00006 and 0.00007; gnomAD exomes 0.00008 and 0.00015; TOPMed 0.00008; ESP Exome Variant Server 0.00016.
gnomAD v4.1: 233 of 1,613,816 alleles (0.014%); highest among the groups gnomAD compares: Non-Finnish European, 0.019%; no homozygotes.

Submissions (4):

Labcorp Genetics (formerly Invitae), Labcorp
Classification: Likely benign for Kabuki syndrome. Last evaluated: 2026-01-26. Review status: criteria provided, single submitter. Criteria: Invitae Variant Classification Sherloc (09022015). Collection method: clinical testing. Allele origin: germline.

PreventionGenetics, part of Exact Sciences
Classification: Likely benign for KMT2D-related condition. Last evaluated: 2025-04-09. Review status: criteria provided, single submitter. Criteria: ACMG Guidelines, 2015. Collection method: clinical testing. Allele origin: germline.
Comment: This variant is classified as likely benign based on ACMG/AMP sequence variant interpretation guidelines (Richards et al. 2015 PMID: 25741868, with internal and published modifications).

Blueprint Genetics
Classification: Likely benign. Last evaluated: 2023-11-16. Review status: criteria provided, single submitter. Criteria: ACMG Guidelines, 2015. Collection method: clinical testing. Allele origin: germline.

Breakthrough Genomics
Classification: Likely benign. Review status: criteria provided, single submitter. Criteria: ACMG Guidelines, 2015. Collection method: not provided. Allele origin: germline. Inheritance: Autosomal dominant inheritance. Affected: yes.